The following is an entry in ClinVar:

ClinVar aggregate classification (germline): Uncertain significance (1 of 4 stars; one submission).

Conditions:
Neurofibromatosis, type 1 (NF1). Also called: Neurofibromatosis, type I; VON RECKLINGHAUSEN DISEASE; NEUROFIBROMATOSIS, TYPE I, SOMATIC; Peripheral type neurofibromatosis. Identifiers: Orphanet 636, MedGen C0027831, MONDO:0018975, OMIM 162200. Disease mechanism: loss of function.

Submission:

Labcorp Genetics (formerly Invitae), Labcorp
Classification: Uncertain significance for Neurofibromatosis, type 1. Last evaluated: 2020-10-20. Review status: criteria provided, single submitter. Criteria: Invitae Variant Classification Sherloc (09022015). Collection method: clinical testing. Allele origin: germline.
Comment: In summary, the available evidence is currently insufficient to determine the role of this variant in disease. Therefore, it has been classified as a Variant of Uncertain Significance. Advanced modeling of protein sequence and biophysical properties (such as structural, functional, and spatial information, amino acid conservation, physicochemical variation, residue mobility, and thermodynamic stability) performed at Invitae indicates that this missense variant is not expected to disrupt NF1 protein function. This variant has not been reported in the literature in individuals with NF1-related conditions. This variant is not present in population databases (ExAC no frequency). This sequence change replaces glutamic acid with aspartic acid at codon 602 of the NF1 protein (p.Glu602Asp). The glutamic acid residue is moderately conserved and there is a small physicochemical difference between glutamic acid and aspartic acid.

NM_001042492.3(NF1):c.1806A>T (p.Glu602Asp)

Gene: NF1 (neurofibromin 1; plus strand). Cytogenetic location: 17q11.2.
Variant type: single nucleotide variant.
Coding change: c.1806A>T on transcript NM_001042492.3 (MANE Select); coding-DNA position 1806, A replaced by T.
Protein change: p.Glu602Asp; replaces glutamic acid 602 with aspartic acid.
Molecular consequence: missense variant.
Genome position (GRCh38, 1-based): chr17:31,223,528, A>T. VCF-style: chr17-31223528-A-T. GRCh37 (hg19) VCF-style: chr17-29550546-A-T.
Other names: c.1806A>T, p.Glu602Asp (NM_000267.4); short protein forms E602D.
Identifiers: ClinVar variation 1481892 (VCV001481892.8), dbSNP rs370454753, ClinGen allele CA399004446.